The following is an entry in ClinVar:

NM_004855.5(PIGB):c.91A>T (p.Lys31Ter)

Gene: PIGB (phosphatidylinositol glycan anchor biosynthesis class B; plus strand). Cytogenetic location: 15q21.3.
Variant type: single nucleotide variant.
Coding change: c.91A>T on transcript NM_004855.5 (MANE Select); coding-DNA position 91, A replaced by T.
Protein change: p.Lys31Ter; replaces lysine 31 with a stop codon.
Molecular consequence: nonsense.
Genome position (GRCh38, 1-based): chr15:55,319,341, A>T. VCF-style: chr15-55319341-A-T. GRCh37 (hg19) VCF-style: chr15-55611539-A-T.
Other names: short protein forms K31*.
Identifiers: ClinVar variation 1943029 (VCV001943029.6), dbSNP rs770161203, ClinGen allele CA7573759.
Genomic context (GRCh38, chr15:55,319,341, plus strand): 5'-GAGCCGGGGGGCGGAGATGCCAGCCTCACTTTGCATGGTCTCCAGAACCGCTCCCACGGC[A>T]AGATAAAGCTGCGAAAGAGAAAGTCTACCTTGTACTTCAACACCCAGGAGAAGAGCGCCA-3'

ClinVar aggregate classification (germline): Pathogenic. Review status: criteria provided, multiple submitters, no conflicts (2 of 4 stars). 2 submissions from 2 submitters: Pathogenic (2). Last evaluated 2025-02-17.

Conditions:
Developmental and epileptic encephalopathy, 80. Also called: EPILEPTIC ENCEPHALOPATHY, EARLY INFANTILE, 80; GLYCOSYLPHOSPHATIDYLINOSITOL BIOSYNTHESIS DEFECT 20. Identifiers: MedGen C5231418, MONDO:0032822, OMIM 618580.

Allele frequency attached by ClinVar (database versions not stated): gnomAD 0.00001; TOPMed 0.00002; ExAC 0.00003.
gnomAD v4.1: 50 of 1,578,484 alleles (0.0032%); highest among the groups gnomAD compares: Non-Finnish European, 0.004%; no homozygotes.

Submissions (2):

Women's Health and Genetics/Laboratory Corporation of America, LabCorp
Classification: Pathogenic for Developmental and epileptic encephalopathy, 80. Last evaluated: 2025-02-17. Review status: criteria provided, single submitter. Criteria: LabCorp Variant Classification Summary - May 2015. Collection method: clinical testing. Allele origin: germline.
Comment: Variant summary: PIGB c.91A>T (p.Lys31X) results in a premature termination codon, predicted to cause a truncation of the encoded protein or absence of the protein due to nonsense mediated decay, which are commonly known mechanisms for disease. The variant allele was found at a frequency of 1.6e-05 in 189018 control chromosomes. To our knowledge, no occurrence of c.91A>T in individuals affected with Developmental And Epileptic Encephalopathy, 80 and no experimental evidence demonstrating its impact on protein function have been reported. ClinVar contains an entry for this variant (Variation ID: 1943029). Based on the evidence outlined above, the variant was classified as pathogenic.

Labcorp Genetics (formerly Invitae), Labcorp
Classification: Pathogenic. Last evaluated: 2023-01-23. Review status: criteria provided, single submitter. Criteria: Invitae Variant Classification Sherloc (09022015). Collection method: clinical testing. Allele origin: germline.
Comment: For these reasons, this variant has been classified as Pathogenic. This variant has not been reported in the literature in individuals affected with PIGB-related conditions. This variant is present in population databases (rs770161203, gnomAD 0.004%). This sequence change creates a premature translational stop signal (p.Lys31*) in the PIGB gene. It is expected to result in an absent or disrupted protein product. Loss-of-function variants in PIGB are known to be pathogenic (PMID: 31256876, 34400385).

Literature cited by the submitters: PubMed 31256876 (cited by Labcorp Genetics (formerly Invitae), Labcorp); PubMed 34400385 (cited by Labcorp Genetics (formerly Invitae), Labcorp).